The following is an entry in ClinVar:

NM_000245.4(MET):c.799G>A (p.Glu267Lys)

Gene: MET (MET proto-oncogene, receptor tyrosine kinase; plus strand). Cytogenetic location: 7q31.2.
Variant type: single nucleotide variant.
Coding change: c.799G>A on transcript NM_000245.4 (MANE Select); coding-DNA position 799, G replaced by A.
Protein change: p.Glu267Lys; replaces glutamic acid 267 with lysine.
Molecular consequence: missense variant. On other transcripts: intron variant (1).
Genome position (GRCh38, 1-based): chr7:116,699,883, G>A. VCF-style: chr7-116699883-G-A. GRCh37 (hg19) VCF-style: chr7-116339937-G-A.
Other names: c.799G>A, p.Glu267Lys (NM_001127500.3, NM_001324401.3); c.-91+27306G>A (NM_001324402.2); short protein forms E267K.
Identifiers: ClinVar variation 411894 (VCV000411894.20), dbSNP rs755954919, ClinGen allele CA16612246.

ClinVar aggregate classification (germline): Uncertain significance. Review status: criteria provided, multiple submitters, no conflicts (2 of 4 stars). 6 submissions from 6 submitters: Uncertain significance (6). Last evaluated 2025-11-10.

Conditions:
Osteofibrous dysplasia (OSFD). Also called: Tibia, bowing of, with pseudarthrosis and pectus excavatum. Identifiers: Orphanet 488265, MedGen C4085248, MONDO:0011806, OMIM 607278.
Hepatocellular carcinoma (HCC). Also called: Primary carcinoma of liver; HEPATOMA; LIVER CELL CARCINOMA. Identifiers: Orphanet 88673, MedGen C2239176, MONDO:0007256, OMIM 114550, HP:0001402.
Papillary renal cell carcinoma type 1 (RCCP1). Also called: Renal adenocarcinoma; Renal cell carcinoma 1; Renal cell carcinoma, somatic; RENAL CELL CARCINOMA, PAPILLARY, 1, SOMATIC. Identifiers: Orphanet 47044, MedGen C1336839, OMIM 605074, HP:0011797.
Autosomal recessive nonsyndromic hearing loss 97. Also called: Deafness, autosomal recessive 97. Identifiers: Orphanet 90636, MedGen C4084709, MONDO:0014739, OMIM 616705.
Renal cell carcinoma. Identifiers: Orphanet 217071, MedGen C0007134, MeSH D002292, MONDO:0005086, HP:0005584.
Hereditary cancer-predisposing syndrome. Also called: Neoplastic Syndromes, Hereditary; Tumor predisposition; Hereditary Cancer Syndrome; Hereditary neoplastic syndrome. Identifiers: Orphanet 140162, MedGen C0027672, MeSH D009386, MONDO:0015356.

Allele frequency attached by ClinVar (database versions not stated): gnomAD exomes below 0.00001 and 0.00002.

Submissions (6):

Labcorp Genetics (formerly Invitae), Labcorp
Classification: Uncertain significance for Renal cell carcinoma. Last evaluated: 2025-11-10. Review status: criteria provided, single submitter. Criteria: Invitae Variant Classification Sherloc (09022015). Collection method: clinical testing. Allele origin: germline.
Comment: This sequence change replaces glutamic acid, which is acidic and polar, with lysine, which is basic and polar, at codon 267 of the MET protein (p.Glu267Lys). This variant is present in population databases (rs755954919, gnomAD 0.0009%). This variant has not been reported in the literature in individuals affected with MET-related conditions. ClinVar contains an entry for this variant (Variation ID: 411894). Invitae Evidence Modeling of protein sequence and biophysical properties (such as structural, functional, and spatial information, amino acid conservation, physicochemical variation, residue mobility, and thermodynamic stability) indicates that this missense variant is expected to disrupt MET protein function with a positive predictive value of 80%. In summary, the available evidence is currently insufficient to determine the role of this variant in disease. Therefore, it has been classified as a Variant of Uncertain Significance.

Ambry Genetics
Classification: Uncertain significance for Hereditary cancer-predisposing syndrome. Last evaluated: 2025-11-04. Review status: criteria provided, single submitter. Criteria: Ambry Variant Classification Scheme 2023. Collection method: clinical testing. Allele origin: germline.
Comment: The p.E267K variant (also known as c.799G>A), located in coding exon 1 of the MET gene, results from a G to A substitution at nucleotide position 799. The glutamic acid at codon 267 is replaced by lysine, an amino acid with similar properties. This amino acid position is well conserved in available vertebrate species. In addition, this alteration is predicted to be tolerated by in silico analysis. Since supporting evidence is limited at this time, the clinical significance of this alteration remains unclear.

Baylor Genetics
Classification: Uncertain significance for Autosomal recessive nonsyndromic hearing loss 97. Last evaluated: 2024-03-06. Review status: criteria provided, single submitter. Criteria: ACMG Guidelines, 2015. Collection method: clinical testing. Allele origin: unknown.

Genetic Services Laboratory, University of Chicago
Classification: Uncertain significance. Last evaluated: 2021-10-11. Review status: criteria provided, single submitter. Criteria: ACMG Guidelines, 2015. Collection method: clinical testing. Allele origin: germline. Affected: no.

Blueprint Genetics
Classification: Uncertain significance. Last evaluated: 2019-12-16. Review status: criteria provided, single submitter. Criteria: ACMG Guidelines, 2015. Collection method: clinical testing. Allele origin: germline.

Fulgent Genetics
Classification: Uncertain significance for Hepatocellular carcinoma; Papillary renal cell carcinoma type 1; Osteofibrous dysplasia; Autosomal recessive nonsyndromic hearing loss 97. Last evaluated: 2018-10-31. Review status: criteria provided, single submitter. Criteria: ACMG Guidelines, 2015. Collection method: clinical testing. Allele origin: unknown.